The following is an entry in ClinVar:

NM_017986.4(SLC52A1):c.493C>G (p.Gln165Glu)

Gene: SLC52A1 (solute carrier family 52 member 1; minus strand). Cytogenetic location: 17p13.2.
Variant type: single nucleotide variant.
Coding change: c.493C>G on transcript NM_017986.4 (MANE Select); coding-DNA position 493, C replaced by G.
Protein change: p.Gln165Glu; replaces glutamine 165 with glutamic acid.
Molecular consequence: missense variant.
Genome position (GRCh38, 1-based): chr17:5,033,996, G>C on the plus strand (C>G on the coding strand, the complement: SLC52A1 is on the minus strand). VCF-style: chr17-5033996-G-C. GRCh37 (hg19) VCF-style: chr17-4937291-G-C.
Other names: c.493C>G, p.Gln165Glu (NM_001104577.2); short protein forms Q165E.
Identifiers: ClinVar variation 3625070 (VCV003625070.2).
Genomic context (GRCh38, chr17:5,033,996, plus strand): 5'-GGGGAGGCCCAGAGGTGCCATTGGTGGGCGCTGGTGGGCACTCGAGGCGGCCCACACCTT[G>C]CACTAGGGCCAGCACACAGGGGAGTAGGGCACTGAGACCCTGACCCAGGAAGAAAGACCG-3'
Protein context (NP_060456.3, residues 155-175): ALLPCVLALV[Gln165Glu]GVGRLECPPA

ClinVar aggregate classification (germline): Uncertain significance (1 of 4 stars; one submission).

Conditions:
Vitamin B2 deficiency. Identifiers: MedGen C0035528.

Submission:

Labcorp Genetics (formerly Invitae), Labcorp
Classification: Uncertain significance for Vitamin B2 deficiency. Last evaluated: 2025-01-13. Review status: criteria provided, single submitter. Criteria: Invitae Variant Classification Sherloc (09022015). Collection method: clinical testing. Allele origin: germline.
Comment: This sequence change replaces glutamine, which is neutral and polar, with glutamic acid, which is acidic and polar, at codon 165 of the SLC52A1 protein (p.Gln165Glu). This variant is not present in population databases (gnomAD no frequency). This variant has not been reported in the literature in individuals affected with SLC52A1-related conditions. Invitae Evidence Modeling of protein sequence and biophysical properties (such as structural, functional, and spatial information, amino acid conservation, physicochemical variation, residue mobility, and thermodynamic stability) indicates that this missense variant is expected to disrupt SLC52A1 protein function with a positive predictive value of 80%. In summary, the available evidence is currently insufficient to determine the role of this variant in disease. Therefore, it has been classified as a Variant of Uncertain Significance.